The following is an entry in ClinVar:

NM_020765.3(UBR4):c.9111+9T>C

Gene: UBR4 (ubiquitin protein ligase E3 component n-recognin 4; minus strand). Cytogenetic location: 1p36.13.
Variant type: single nucleotide variant.
Coding change: c.9111+9T>C on transcript NM_020765.3 (MANE Select); 9 bases into the intron after coding-DNA position 9111, T replaced by C.
Molecular consequence: intron variant.
Genome position (GRCh38, 1-based): chr1:19,128,202, A>G on the plus strand (T>C on the coding strand, the complement: UBR4 is on the minus strand). VCF-style: chr1-19128202-A-G. GRCh37 (hg19) VCF-style: chr1-19454696-A-G.
Identifiers: ClinVar variation 737582 (VCV000737582.5), dbSNP rs200326903, ClinGen allele CA649532.

ClinVar aggregate classification (germline): Benign. Review status: criteria provided, single submitter (1 of 4 stars). 2 submissions from 2 submitters: Benign (1). 1 of the submissions does not count toward it. Last evaluated 2018-03-30.

Conditions:
UBR4-related disorder. Also called: UBR4-related condition.

Allele frequency attached by ClinVar (database versions not stated): ESP Exome Variant Server 0.00023; ExAC 0.00057; gnomAD 0.00067 and 0.00068; gnomAD exomes 0.00075 and 0.00091; TOPMed 0.00092; 1000 Genomes Project 0.00100; 1000 Genomes Project 30x 0.00109.
gnomAD v4.1: 1,424 of 1,612,410 alleles (0.088%); highest among the groups gnomAD compares: Admixed American, 0.27%; 4 homozygotes.

Submissions (2):

Labcorp Genetics (formerly Invitae), Labcorp
Classification: Benign. Last evaluated: 2018-03-30. Review status: criteria provided, single submitter. Criteria: Invitae Variant Classification Sherloc (09022015). Collection method: clinical testing. Allele origin: germline.

PreventionGenetics, part of Exact Sciences
Classification: Likely benign for UBR4-related condition. Last evaluated: 2019-08-26. Review status: no assertion criteria provided. Collection method: clinical testing. Allele origin: germline. Not counted in ClinVar's aggregate classification.
Comment: This variant is classified as likely benign based on ACMG/AMP sequence variant interpretation guidelines (Richards et al. 2015 PMID: 25741868, with internal and published modifications).